The following is an entry in ClinVar:

NM_002519.3(NPAT):c.3123A>C (p.Glu1041Asp)

Gene: NPAT (nuclear protein, coactivator of histone transcription; minus strand). Cytogenetic location: 11q22.3.
Variant type: single nucleotide variant.
Coding change: c.3123A>C on transcript NM_002519.3 (MANE Select); coding-DNA position 3123, A replaced by C.
Protein change: p.Glu1041Asp; replaces glutamic acid 1041 with aspartic acid.
Molecular consequence: missense variant.
Genome position (GRCh38, 1-based): chr11:108,161,963, T>G on the plus strand (A>C on the coding strand, the complement: NPAT is on the minus strand). VCF-style: chr11-108161963-T-G. GRCh37 (hg19) VCF-style: chr11-108032690-T-G.
Other names: c.3144A>C, p.Glu1048Asp (NM_001321307.1); short protein forms E1041D, E1048D.
Identifiers: ClinVar variation 3300729 (VCV003300729.1).

ClinVar aggregate classification (germline): Uncertain significance (1 of 4 stars; one submission).

Submission:

Ambry Genetics
Classification: Uncertain significance. Last evaluated: 2024-06-23. Review status: criteria provided, single submitter. Criteria: Ambry Variant Classification Scheme 2023. Collection method: clinical testing. Allele origin: germline.
Comment: The p.E1041D variant (also known as c.3123A>C), located in coding exon 17 of the NPAT gene, results from an A to C substitution at nucleotide position 3123. The glutamic acid at codon 1041 is replaced by aspartic acid, an amino acid with highly similar properties. This amino acid position is conserved. In addition, this alteration is predicted to be tolerated by in silico analysis. Based on the available evidence, the clinical significance of this variant remains unclear.